The following is an entry in ClinVar:

NM_003119.4(SPG7):c.341A>C (p.Asp114Ala)

Gene: SPG7 (SPG7 matrix AAA peptidase subunit, paraplegin; plus strand). Cytogenetic location: 16q24.3.
Variant type: single nucleotide variant.
Coding change: c.341A>C on transcript NM_003119.4 (MANE Select); coding-DNA position 341, A replaced by C.
Protein change: p.Asp114Ala; replaces aspartic acid 114 with alanine.
Molecular consequence: missense variant.
Genome position (GRCh38, 1-based): chr16:89,513,002, A>C. VCF-style: chr16-89513002-A-C. GRCh37 (hg19) VCF-style: chr16-89579410-A-C.
Other names: c.341A>C, p.Asp114Ala (NM_001363850.1, NM_199367.3); short protein forms D114A.
Identifiers: ClinVar variation 4777675 (VCV004777675.1).

ClinVar aggregate classification (germline): Uncertain significance (1 of 4 stars; one submission).

Conditions:
Hereditary spastic paraplegia 7 (SPG7). Also called: SPASTIC PARAPLEGIA 7, AUTOSOMAL RECESSIVE, WITH OR WITHOUT CEREBELLAR ATAXIA; SPG7-related neurologic disorder; Spastic paraplegia 7; Hereditary spastic paraplegia Paraplegin type; Autosomal recessive spastic paraplegia type 7. Identifiers: Orphanet 99013, MedGen C1846564, MONDO:0011803, OMIM 607259.

Submission:

Labcorp Genetics (formerly Invitae), Labcorp
Classification: Uncertain significance for Hereditary spastic paraplegia 7. Last evaluated: 2025-10-09. Review status: criteria provided, single submitter. Criteria: Invitae Variant Classification Sherloc (09022015). Collection method: clinical testing. Allele origin: germline.
Comment: This sequence change replaces aspartic acid, which is acidic and polar, with alanine, which is neutral and non-polar, at codon 114 of the SPG7 protein (p.Asp114Ala). This variant is not present in population databases (gnomAD no frequency). This variant has not been reported in the literature in individuals affected with SPG7-related conditions. Invitae Evidence Modeling of protein sequence and biophysical properties (such as structural, functional, and spatial information, amino acid conservation, physicochemical variation, residue mobility, and thermodynamic stability) indicates that this missense variant is not expected to disrupt SPG7 protein function with a negative predictive value of 95%. In summary, the available evidence is currently insufficient to determine the role of this variant in disease. Therefore, it has been classified as a Variant of Uncertain Significance.